The following is an entry in ClinVar:

NM_016239.4(MYO15A):c.1564del (p.Val522fs)

Gene: MYO15A (myosin XVA; plus strand). Cytogenetic location: 17p11.2.
Variant type: Deletion.
Coding change: c.1564del on transcript NM_016239.4 (MANE Select); coding-DNA position 1564, one base deleted (G; older notation c.1564delG).
Protein change: p.Val522fs; shifts the reading frame from valine 522.
Molecular consequence: frameshift variant.
Genome position (GRCh38, 1-based): chr17:18,120,364, G deleted; the last of 2 consecutive G bases (chr17:18,120,363-18,120,364); deleting either gives the same sequence. VCF-style (leftmost placement, unchanged base first): chr17-18120362-CG-C. GRCh37 (hg19) VCF-style: chr17-18023676-CG-C.
Other names: short protein forms V522fs.
Identifiers: ClinVar variation 2752139 (VCV002752139.3), dbSNP rs776509414, ClinGen allele CA8423122.

ClinVar aggregate classification (germline): Pathogenic (1 of 4 stars; one submission).

Submission:

Labcorp Genetics (formerly Invitae), Labcorp
Classification: Pathogenic. Last evaluated: 2024-02-16. Review status: criteria provided, single submitter. Criteria: Invitae Variant Classification Sherloc (09022015). Collection method: clinical testing. Allele origin: germline.
Comment: This sequence change creates a premature translational stop signal (p.Val522Phefs*107) in the MYO15A gene. It is expected to result in an absent or disrupted protein product. Loss-of-function variants in MYO15A are known to be pathogenic (PMID: 17546645). This variant is present in population databases (rs776509414, gnomAD 0.006%). This variant has not been reported in the literature in individuals affected with MYO15A-related conditions. For these reasons, this variant has been classified as Pathogenic.

Literature cited by the submitters: PubMed 17546645.